The following is an entry in ClinVar:

ClinVar aggregate classification (germline): Likely benign (1 of 4 stars; one submission).

gnomAD v4.1: 2 of 1,612,846 alleles (0.00012%); highest among the groups gnomAD compares: Non-Finnish European, 0.00017%; no homozygotes.

Submission:

CeGaT Center for Human Genetics Tuebingen
Classification: Likely benign. Last evaluated: 2025-11-01. Review status: criteria provided, single submitter. Criteria: CeGaT Center For Human Genetics Tuebingen Variant Classification Criteria Version 2. Collection method: clinical testing. Allele origin: germline. Affected: yes. Observed: 1 variant allele.
Comment: DNHD1: BP4, BP7

NM_144666.3(DNHD1):c.14010G>A (p.Leu4670=)

Gene: DNHD1 (dynein heavy chain domain 1; plus strand). Cytogenetic location: 11p15.4.
Variant type: single nucleotide variant.
Coding change: c.14010G>A on transcript NM_144666.3 (MANE Select); coding-DNA position 14010, G replaced by A.
Protein change: p.Leu4670=; no amino-acid change (leucine 4670 retained).
Molecular consequence: synonymous variant.
Genome position (GRCh38, 1-based): chr11:6,571,734, G>A. VCF-style: chr11-6571734-G-A. GRCh37 (hg19) VCF-style: chr11-6592964-G-A.
Identifiers: ClinVar variation 4535421 (VCV004535421.6).